The following is an entry in ClinVar:

NM_031475.3(ESPN):c.1797_1805del (p.Pro603_Pro605del)

Gene: ESPN (espin; plus strand). Cytogenetic location: 1p36.31.
Variant type: Deletion.
Coding change: c.1797_1805del on transcript NM_031475.3 (MANE Select); coding-DNA positions 1797 to 1805, 9 bases deleted (CCCACCGCC; older notation c.1797_1805delCCCACCGCC).
Protein change: p.Pro603_Pro605del.
Molecular consequence: inframe deletion.
Genome position (GRCh38, 1-based): chr1:6,448,973-6,448,981, CCCACCGCC deleted; deleting any 9 consecutive bases within chr1:6,448,968-6,448,981 gives the same sequence; the c. name uses the placement nearest the transcript's 3' end. VCF-style (leftmost placement, unchanged base first): chr1-6448967-GCCGCCCCCA-G. GRCh37 (hg19) VCF-style: chr1-6509027-GCCGCCCCCA-G.
Other names: c.1707_1715del, p.Pro573_Pro575del (NM_001367473.1, NM_001367474.1).
Identifiers: ClinVar variation 1393270 (VCV001393270.6), dbSNP rs1197523646, ClinGen allele CA521018299.

ClinVar aggregate classification (germline): Uncertain significance (1 of 4 stars; one submission).

Submission:

Labcorp Genetics (formerly Invitae), Labcorp
Classification: Uncertain significance. Last evaluated: 2025-03-03. Review status: criteria provided, single submitter. Criteria: Invitae Variant Classification Sherloc (09022015). Collection method: clinical testing. Allele origin: germline.
Comment: This variant, c.1797_1805del, results in the deletion of 3 amino acid(s) of the ESPN protein (p.Pro603_Pro605del), but otherwise preserves the integrity of the reading frame. This variant is not present in population databases (gnomAD no frequency). This variant has not been reported in the literature in individuals affected with ESPN-related conditions. ClinVar contains an entry for this variant (Variation ID: 1393270). Experimental studies and prediction algorithms are not available or were not evaluated, and the functional significance of this variant is currently unknown. In summary, the available evidence is currently insufficient to determine the role of this variant in disease. Therefore, it has been classified as a Variant of Uncertain Significance.